The following is an entry in ClinVar:

NM_006744.4(RBP4):c.348G>T (p.Gln116His)

Gene: RBP4 (retinol binding protein 4; minus strand). Cytogenetic location: 10q23.33.
Variant type: single nucleotide variant.
Coding change: c.348G>T on transcript NM_006744.4 (MANE Select); coding-DNA position 348, G replaced by T.
Protein change: p.Gln116His; replaces glutamine 116 with histidine.
Molecular consequence: missense variant.
Genome position (GRCh38, 1-based): chr10:93,600,400, C>A on the plus strand (G>T on the coding strand, the complement: RBP4 is on the minus strand). VCF-style: chr10-93600400-C-A. GRCh37 (hg19) VCF-style: chr10-95360157-C-A.
Other names: c.348G>T, p.Gln116His (NM_001323517.1); c.342G>T, p.Gln114His (NM_001323518.2); short protein forms Q116H, Q114H.
Identifiers: ClinVar variation 1994415 (VCV001994415.4), dbSNP rs755349479, ClinGen allele CA5609594.

ClinVar aggregate classification (germline): Uncertain significance (1 of 4 stars; one submission).

Allele frequency attached by ClinVar (database versions not stated): TOPMed 0.00002; gnomAD 0.00003; gnomAD exomes below 0.00001; ExAC 0.00002.
gnomAD v4.1: 6 of 1,613,930 alleles (0.00037%); highest among the groups gnomAD compares: African/African-American, 0.008%; no homozygotes.

Submission:

Labcorp Genetics (formerly Invitae), Labcorp
Classification: Uncertain significance. Last evaluated: 2023-10-03. Review status: criteria provided, single submitter. Criteria: Invitae Variant Classification Sherloc (09022015). Collection method: clinical testing. Allele origin: germline.
Comment: This sequence change replaces glutamine, which is neutral and polar, with histidine, which is basic and polar, at codon 116 of the RBP4 protein (p.Gln116His). This variant is present in population databases (rs755349479, gnomAD 0.02%). This variant has not been reported in the literature in individuals affected with RBP4-related conditions. ClinVar contains an entry for this variant (Variation ID: 1994415). An algorithm developed to predict the effect of missense changes on protein structure and function (PolyPhen-2) suggests that this variant is likely to be disruptive. In summary, the available evidence is currently insufficient to determine the role of this variant in disease. Therefore, it has been classified as a Variant of Uncertain Significance.